The following is an entry in ClinVar:

NM_001167623.2(CACNA1C):c.1212G>C (p.Leu404Phe)

Gene: CACNA1C (calcium voltage-gated channel subunit alpha1 C; plus strand). Cytogenetic location: 12p13.33.
Variant type: single nucleotide variant.
Coding change: c.1212G>C on transcript NM_001167623.2 (MANE Plus Clinical); coding-DNA position 1212, G replaced by C.
Protein change: p.Leu404Phe; replaces leucine 404 with phenylalanine.
Molecular consequence: missense variant. On other transcripts: intron variant (19).
Genome position (GRCh38, 1-based): chr12:2,504,534, G>C. VCF-style: chr12-2504534-G-C. GRCh37 (hg19) VCF-style: chr12-2613700-G-C.
Other names: c.1212G>C, p.Leu404Phe (NM_001129840.2, NM_001167624.3, NM_001167625.2); c.1114-308G>C (NM_199460.4, NM_001129827.2, NM_001129832.2 and 15 more transcripts); c.1105-308G>C (NM_001129844.2); short protein forms L404F.
Identifiers: ClinVar variation 4980200 (VCV004980200.1).
Genomic context (GRCh38, chr12:2,504,534, plus strand): 5'-TTTTGTCAGTCTGGTCATCTTTGGATCCTTTTTCGTTCTAAATCTGGTTCTCGGTGTGTT[G>C]AGCGGGTAAGCTGACCGTTTCTATGTCCTCTCCACAACGCAGCCGAGCAAGGTCTCAGGT-3'
Protein context (NP_001161095.1, residues 394-414): FFVLNLVLGV[Leu404Phe]SGEFSKEREK

ClinVar aggregate classification (germline): Likely pathogenic (1 of 4 stars; one submission).

Conditions:
CACNA1C-related disorder. Also called: CACNA1C-related condition; CACNA1C-related disorders. Identifiers: MedGen CN381092, MONDO:0700321.

Submission:

PreventionGenetics, part of Exact Sciences
Classification: Likely pathogenic for CACNA1C-related condition. Last evaluated: 2024-11-13. Review status: criteria provided, single submitter. Criteria: ACMG Guidelines, 2015. Collection method: clinical testing. Allele origin: germline.
Comment: The CACNA1C c.1212G>C variant is predicted to result in the amino acid substitution p.Leu404Phe. To our knowledge, this variant has not been reported in the literature or in a large population database (gnomAD), indicating this variant is rare. This variant is interpreted as likely pathogenic.